The following is an entry in ClinVar:

ClinVar aggregate classification (germline): Uncertain significance. Review status: criteria provided, multiple submitters, no conflicts (2 of 4 stars). 3 submissions from 3 submitters: Uncertain significance (3). Last evaluated 2024-11-18.

Conditions:
Congenital myasthenic syndrome 12 (CMS12). Also called: MYASTHENIC SYNDROME, CONGENITAL, WITH TUBULAR AGGREGATES 1; Myasthenia, congenital, 12, with tubular aggregates. Identifiers: Orphanet 353327, Orphanet 590, MedGen C3552335, MONDO:0012518, OMIM 610542.

Allele frequency attached by ClinVar (database versions not stated): gnomAD exomes 0.00005 and 0.00009; ExAC 0.00007; ESP Exome Variant Server 0.00008; gnomAD 0.00008 and 0.00009; TOPMed 0.00011; 1000 Genomes Project 0.00040; 1000 Genomes Project 30x 0.00047.

Submissions (3):

Labcorp Genetics (formerly Invitae), Labcorp
Classification: Uncertain significance for Congenital myasthenic syndrome 12. Last evaluated: 2024-11-18. Review status: criteria provided, single submitter. Criteria: Invitae Variant Classification Sherloc (09022015). Collection method: clinical testing. Allele origin: germline.
Comment: This sequence change falls in intron 16 of the GFPT1 gene. It does not directly change the encoded amino acid sequence of the GFPT1 protein. It affects a nucleotide within the consensus splice site. This variant is present in population databases (rs373420002, gnomAD 0.06%). This variant has not been reported in the literature in individuals affected with GFPT1-related conditions. ClinVar contains an entry for this variant (Variation ID: 336876). Variants that disrupt the consensus splice site are a relatively common cause of aberrant splicing (PMID: 17576681, 9536098). Algorithms developed to predict the effect of sequence changes on RNA splicing suggest that this variant is not likely to affect RNA splicing. In summary, the available evidence is currently insufficient to determine the role of this variant in disease. Therefore, it has been classified as a Variant of Uncertain Significance.

Women's Health and Genetics/Laboratory Corporation of America, LabCorp
Classification: Uncertain significance. Last evaluated: 2023-12-07. Review status: criteria provided, single submitter. Criteria: LabCorp Variant Classification Summary - May 2015. Collection method: clinical testing. Allele origin: germline.

Illumina Laboratory Services, Illumina
Classification: Uncertain significance for Congenital myasthenic syndrome 12. Last evaluated: 2018-01-12. Review status: criteria provided, single submitter. Criteria: ICSL Variant Classification Criteria 13 December 2019. Collection method: clinical testing. Allele origin: germline.

Literature cited by the submitters: PubMed 17576681 (cited by Labcorp Genetics (formerly Invitae), Labcorp); PubMed 9536098 (cited by Labcorp Genetics (formerly Invitae), Labcorp).

NM_001244710.2(GFPT1):c.1597+5A>G

Gene: GFPT1 (glutamine--fructose-6-phosphate transaminase 1; minus strand). Cytogenetic location: 2p13.3.
Variant type: single nucleotide variant.
Coding change: c.1597+5A>G on transcript NM_001244710.2 (MANE Select); 5 bases into the intron after coding-DNA position 1597, A replaced by G.
Molecular consequence: intron variant.
Genome position (GRCh38, 1-based): chr2:69,329,679, T>C on the plus strand (A>G on the coding strand, the complement: GFPT1 is on the minus strand). VCF-style: chr2-69329679-T-C. GRCh37 (hg19) VCF-style: chr2-69556811-T-C.
Other names: c.1543+5A>G (NM_002056.4).
Identifiers: ClinVar variation 336876 (VCV000336876.11), dbSNP rs373420002, ClinGen allele CA1693618.